The following is an entry in ClinVar:

NM_000264.5(PTCH1):c.2806G>T (p.Ala936Ser)

Gene: PTCH1 (patched 1; minus strand). Cytogenetic location: 9q22.32.
Variant type: single nucleotide variant.
Coding change: c.2806G>T on transcript NM_000264.5 (MANE Select); coding-DNA position 2806, G replaced by T.
Protein change: p.Ala936Ser; replaces alanine 936 with serine.
Molecular consequence: missense variant. On other transcripts: non-coding transcript variant (1).
Genome position (GRCh38, 1-based): chr9:95,459,681, C>A on the plus strand (G>T on the coding strand, the complement: PTCH1 is on the minus strand). VCF-style: chr9-95459681-C-A. GRCh37 (hg19) VCF-style: chr9-98221963-C-A.
Other names: c.2608G>T, p.Ala870Ser (NM_001083602.3); c.2803G>T, p.Ala935Ser (NM_001083603.3); c.2353G>T, p.Ala785Ser (NM_001083604.3, NM_001083605.3, NM_001083606.3 and 1 more transcripts); c.2650G>T, p.Ala884Ser (NM_001354918.2); short protein forms A785S, A936S, A884S, A870S, A935S.
Identifiers: ClinVar variation 655175 (VCV000655175.12), dbSNP rs1588544538, ClinGen allele CA374113039.

ClinVar aggregate classification (germline): Uncertain significance. Review status: criteria provided, multiple submitters, no conflicts (2 of 4 stars). 2 submissions from 2 submitters: Uncertain significance (2). Last evaluated 2025-11-12.

Conditions:
Hereditary cancer-predisposing syndrome. Also called: Neoplastic Syndromes, Hereditary; Hereditary neoplastic syndrome; Hereditary Cancer Syndrome; Tumor predisposition. Identifiers: Orphanet 140162, MedGen C0027672, MeSH D009386, MONDO:0015356.
Gorlin syndrome. Also called: Nevoid Basal Cell Carcinoma Syndrome; Basal cell nevus syndrome. Identifiers: Orphanet 377, MedGen C0004779, MONDO:0007187.

Allele frequency attached by ClinVar (database versions not stated): gnomAD exomes below 0.00001.
gnomAD v4.1: 1 of 1,614,194 alleles (0.000062%); highest among the groups gnomAD compares: African/African-American, 0.0013%; no homozygotes.

Submissions (2):

Labcorp Genetics (formerly Invitae), Labcorp
Classification: Uncertain significance for Gorlin syndrome. Last evaluated: 2025-11-12. Review status: criteria provided, single submitter. Criteria: Invitae Variant Classification Sherloc (09022015). Collection method: clinical testing. Allele origin: germline.
Comment: This sequence change replaces alanine, which is neutral and non-polar, with serine, which is neutral and polar, at codon 936 of the PTCH1 protein (p.Ala936Ser). This variant is not present in population databases (gnomAD no frequency). This variant has not been reported in the literature in individuals affected with PTCH1-related conditions. ClinVar contains an entry for this variant (Variation ID: 655175). Invitae Evidence Modeling of protein sequence and biophysical properties (such as structural, functional, and spatial information, amino acid conservation, physicochemical variation, residue mobility, and thermodynamic stability) indicates that this missense variant is not expected to disrupt PTCH1 protein function with a negative predictive value of 95%. In summary, the available evidence is currently insufficient to determine the role of this variant in disease. Therefore, it has been classified as a Variant of Uncertain Significance.

Ambry Genetics
Classification: Uncertain significance for Hereditary cancer-predisposing syndrome. Last evaluated: 2025-09-07. Review status: criteria provided, single submitter. Criteria: Ambry Variant Classification Scheme 2023. Collection method: clinical testing. Allele origin: germline.
Comment: The p.A936S variant (also known as c.2806G>T), located in coding exon 17 of the PTCH1 gene, results from a G to T substitution at nucleotide position 2806. The alanine at codon 936 is replaced by serine, an amino acid with similar properties. This amino acid position is conserved. In addition, the in silico prediction for this alteration is inconclusive. Since supporting evidence is limited at this time, the clinical significance of this alteration remains unclear.